The following is an entry in ClinVar:

NM_015443.4(KANSL1):c.2838-104G>C

Gene: KANSL1 (KAT8 regulatory NSL complex subunit 1). Cytogenetic location: 17q21.31.
Variant type: single nucleotide variant.
Coding change: c.2838-104G>C on transcript NM_015443.4 (MANE Select); 104 bases into the intron before coding-DNA position 2838, G replaced by C.
Molecular consequence: intron variant.
Genome position (GRCh38, 1-based): chr17:46,032,403, C>G on the plus strand (G>C on the coding strand, the complement: KANSL1 is on the minus strand). VCF-style: chr17-46032403-C-G. GRCh37 (hg19) VCF-style: chr17-44109769-C-G.
Other names: c.2835-104G>C (NM_001193465.2); c.2838-104G>C (NM_001379198.1, NM_001193466.2).
Identifiers: ClinVar variation 675100 (VCV000675100.2), dbSNP rs1076222, ClinGen allele CA15895886.

ClinVar aggregate classification (germline): Benign. Review status: criteria provided, multiple submitters, no conflicts (2 of 4 stars). 2 submissions from 2 submitters: Benign (2). Last evaluated 2018-06-14.

Allele frequency attached by ClinVar (database versions not stated): 1000 Genomes Project 30x 0.08526; 1000 Genomes Project 0.08606; gnomAD 0.14183 and 0.14470; TOPMed 0.14812.
gnomAD v4.1: 181,619 of 978,352 alleles (19%); highest among the groups gnomAD compares: Non-Finnish European, 23%; 19,682 homozygotes.

Submissions (2):

GeneDx
Classification: Benign. Last evaluated: 2018-06-14. Review status: criteria provided, single submitter. Criteria: GeneDx Variant Classification (06012015). Collection method: clinical testing. Allele origin: germline. Affected: yes.
Comment: This variant is considered likely benign or benign based on one or more of the following criteria: it is a conservative change, it occurs at a poorly conserved position in the protein, it is predicted to be benign by multiple in silico algorithms, and/or has population frequency not consistent with disease.

Breakthrough Genomics
Classification: Benign. Review status: criteria provided, single submitter. Criteria: ACMG Guidelines, 2015. Collection method: not provided. Allele origin: germline. Inheritance: Autosomal dominant inheritance. Affected: yes.